The following is an entry in ClinVar:

NM_006642.5(SDCCAG8):c.557A>G (p.His186Arg)

Gene: SDCCAG8 (SHH signaling and ciliogenesis regulator SDCCAG8; plus strand). Cytogenetic location: 1q43.
Variant type: single nucleotide variant.
Coding change: c.557A>G on transcript NM_006642.5 (MANE Select); coding-DNA position 557, A replaced by G.
Protein change: p.His186Arg; replaces histidine 186 with arginine.
Molecular consequence: missense variant. On other transcripts: 5 prime UTR variant (3).
Genome position (GRCh38, 1-based): chr1:243,293,101, A>G. VCF-style: chr1-243293101-A-G. GRCh37 (hg19) VCF-style: chr1-243456403-A-G.
Other names: c.557A>G (NM_006642.3); c.-556A>G (NM_001350246.2); c.-444A>G (NM_001350247.2); c.557A>G, p.His186Arg (NM_001350248.2); c.263A>G, p.His88Arg (NM_001350249.2); c.-817A>G (NM_001350251.2); short protein forms H186R, H88R.
Identifiers: ClinVar variation 1961843 (VCV001961843.6), dbSNP rs144254594, ClinGen allele CA1483347.

ClinVar aggregate classification (germline): Uncertain significance. Review status: criteria provided, multiple submitters, no conflicts (2 of 4 stars). 2 submissions from 2 submitters: Uncertain significance (2). Last evaluated 2026-04-02.

Conditions:
Senior-Loken syndrome 7 (SLSN7). Identifiers: Orphanet 3156, MedGen C3150877, MONDO:0013326, OMIM 613615.
Bardet-Biedl syndrome 16 (BBS16). Identifiers: Orphanet 110, MedGen C3889474, MONDO:0014444, OMIM 615993.
SDCCAG8-related disorder. Also called: SDCCAG8-Related Disorders; SDCCAG8-related condition.

Allele frequency attached by ClinVar (database versions not stated): ExAC 0.00001; ESP Exome Variant Server 0.00008.
gnomAD v4.1: 1 of 1,614,018 alleles (0.000062%); highest among the groups gnomAD compares: African/African-American, 0.0013%; no homozygotes.

Submissions (2):

PreventionGenetics, part of Exact Sciences
Classification: Uncertain significance for SDCCAG8-related condition. Last evaluated: 2026-04-02. Review status: criteria provided, single submitter. Criteria: ACMG Guidelines, 2015. Collection method: clinical testing. Allele origin: germline.
Comment: The SDCCAG8 c.557A>G variant is predicted to result in the amino acid substitution p.His186Arg. To our knowledge, this variant has not been reported in the literature. This variant is reported in 0.0080% of alleles in individuals of African descent in gnomAD. At this time, the clinical significance of this variant is uncertain due to the absence of conclusive functional and genetic evidence.

Labcorp Genetics (formerly Invitae), Labcorp
Classification: Uncertain significance for Bardet-Biedl syndrome 16; Senior-Loken syndrome 7. Last evaluated: 2024-02-24. Review status: criteria provided, single submitter. Criteria: Invitae Variant Classification Sherloc (09022015). Collection method: clinical testing. Allele origin: germline.
Comment: This sequence change replaces histidine, which is basic and polar, with arginine, which is basic and polar, at codon 186 of the SDCCAG8 protein (p.His186Arg). This variant is present in population databases (rs144254594, gnomAD 0.008%). This variant has not been reported in the literature in individuals affected with SDCCAG8-related conditions. ClinVar contains an entry for this variant (Variation ID: 1961843). Advanced modeling of protein sequence and biophysical properties (such as structural, functional, and spatial information, amino acid conservation, physicochemical variation, residue mobility, and thermodynamic stability) performed at Invitae indicates that this missense variant is not expected to disrupt SDCCAG8 protein function with a negative predictive value of 80%. In summary, the available evidence is currently insufficient to determine the role of this variant in disease. Therefore, it has been classified as a Variant of Uncertain Significance.